The following is an entry in ClinVar:

NM_001282933.2(ZNF341):c.2080C>T (p.Arg694Cys)

Genes: ZNF341-AS1 (ZNF341 antisense RNA 1; minus strand), ZNF341 (zinc finger protein 341; plus strand). Cytogenetic location: 20q11.22.
Variant type: single nucleotide variant.
Coding change: c.2080C>T on transcript NM_001282933.2 (MANE Select); coding-DNA position 2080, C replaced by T.
Protein change: p.Arg694Cys; replaces arginine 694 with cysteine.
Molecular consequence: missense variant. On other transcripts: non-coding transcript variant (1).
Genome position (GRCh38, 1-based): chr20:33,791,032, C>T. VCF-style: chr20-33791032-C-T. GRCh37 (hg19) VCF-style: chr20-32378838-C-T.
Other names: c.1810C>T, p.Arg604Cys (NM_001282935.2); c.2059C>T, p.Arg687Cys (NM_032819.5); c.2059C>T (NM_032819.3); short protein forms R604C, R687C, R694C.
Identifiers: ClinVar variation 1466891 (VCV001466891.5), dbSNP rs558354739, ClinGen allele CA9819692.

ClinVar aggregate classification (germline): Uncertain significance. Review status: criteria provided, multiple submitters, no conflicts (2 of 4 stars). 2 submissions from 2 submitters: Uncertain significance (2). Last evaluated 2025-04-03.

Allele frequency attached by ClinVar (database versions not stated): gnomAD 0.00003; TOPMed below 0.00001; gnomAD exomes 0.00012 and 0.00005; 1000 Genomes Project 30x 0.00016; 1000 Genomes Project 0.00020; ExAC 0.00013.
gnomAD v4.1: 84 of 1,613,436 alleles (0.0052%); highest among the groups gnomAD compares: South Asian, 0.069%; no homozygotes.

Submissions (2):

Ambry Genetics
Classification: Uncertain significance. Last evaluated: 2025-04-03. Review status: criteria provided, single submitter. Criteria: Ambry Variant Classification Scheme 2023. Collection method: clinical testing. Allele origin: germline.

Labcorp Genetics (formerly Invitae), Labcorp
Classification: Uncertain significance. Last evaluated: 2021-09-21. Review status: criteria provided, single submitter. Criteria: Invitae Variant Classification Sherloc (09022015). Collection method: clinical testing. Allele origin: germline.
Comment: In summary, the available evidence is currently insufficient to determine the role of this variant in disease. Therefore, it has been classified as a Variant of Uncertain Significance. Algorithms developed to predict the effect of missense changes on protein structure and function are either unavailable or do not agree on the potential impact of this missense change (SIFT: "Deleterious"; PolyPhen-2: "Probably Damaging"; Align-GVGD: "Class C0"). This variant has not been reported in the literature in individuals affected with ZNF341-related conditions. This variant is present in population databases (rs558354739, ExAC 0.09%). This sequence change replaces arginine with cysteine at codon 687 of the ZNF341 protein (p.Arg687Cys). The arginine residue is highly conserved and there is a large physicochemical difference between arginine and cysteine.